The following is an entry in ClinVar:

ClinVar aggregate classification (germline): Pathogenic (1 of 4 stars; one submission).

Conditions:
Microcephaly, normal intelligence and immunodeficiency (NBS). Also called: Nijmegen breakage syndrome; Microcephaly with normal intelligence immunodeficiency and lymphoreticular malignancies; Nonsyndromal microcephaly autosomal recessive with normal intelligence; Seemanova syndrome 2; BERLIN BREAKAGE SYNDROME; IMMUNODEFICIENCY, MICROCEPHALY, AND CHROMOSOMAL INSTABILITY. Identifiers: Orphanet 647, MedGen C0398791, MONDO:0009623, OMIM 251260.

Submission:

Labcorp Genetics (formerly Invitae), Labcorp
Classification: Pathogenic for Microcephaly, normal intelligence and immunodeficiency. Last evaluated: 2016-04-24. Review status: criteria provided, single submitter. Criteria: Invitae Variant Classification Sherloc (09022015). Collection method: clinical testing. Allele origin: germline.
Comment: This sequence change is a gross deletion of the genomic region encompassing exons 8-14 of the NBN gene. It is expected to result in an absent or disrupted protein product. While this particular variant has not been reported in the literature, loss of function variants in NBN are known to be pathogenic (PMID: 9590180, 16415040). For these reasons, this variant has been classified as Pathogenic.

NM_002485.4(NBN):c.897-?_2184+?del

Genes: NBN (nibrin; minus strand), LOC126860438 (MED14-independent group 3 enhancer GRCh37_chr8:90959982-90961181; plus strand). Cytogenetic location: 8q21.3.
Variant type: Deletion.
Coding change: c.897-?_2184+?del on transcript NM_002485.4.
Other names: c.897-?_2184+?del (LRG_158t1).
Identifiers: ClinVar variation 216087 (VCV000216087.1).